The following is an entry in ClinVar:

NM_006204.4(PDE6C):c.392A>C (p.Asp131Ala)

Gene: PDE6C (phosphodiesterase 6C; plus strand). Cytogenetic location: 10q23.33.
Variant type: single nucleotide variant.
Coding change: c.392A>C on transcript NM_006204.4 (MANE Select); coding-DNA position 392, A replaced by C.
Protein change: p.Asp131Ala; replaces aspartic acid 131 with alanine.
Molecular consequence: missense variant.
Genome position (GRCh38, 1-based): chr10:93,613,117, A>C. VCF-style: chr10-93613117-A-C. GRCh37 (hg19) VCF-style: chr10-95372874-A-C.
Other names: short protein forms D131A.
Identifiers: ClinVar variation 1463256 (VCV001463256.9), dbSNP rs775916109, ClinGen allele CA5609827.

ClinVar aggregate classification (germline): Uncertain significance. Review status: criteria provided, multiple submitters, no conflicts (2 of 4 stars). 2 submissions from 2 submitters: Uncertain significance (2). Last evaluated 2023-10-09.

Allele frequency attached by ClinVar (database versions not stated): gnomAD 0.00001; ExAC 0.00002; gnomAD exomes 0.00002 and 0.00003; TOPMed 0.00002.
gnomAD v4.1: 19 of 1,614,058 alleles (0.0012%); highest among the groups gnomAD compares: African/African-American, 0.004%; no homozygotes.

Submissions (2):

Blueprint Genetics
Classification: Uncertain significance. Last evaluated: 2023-10-09. Review status: criteria provided, single submitter. Criteria: ACMG Guidelines, 2015. Collection method: clinical testing. Allele origin: germline.

Labcorp Genetics (formerly Invitae), Labcorp
Classification: Uncertain significance. Last evaluated: 2022-02-02. Review status: criteria provided, single submitter. Criteria: Invitae Variant Classification Sherloc (09022015). Collection method: clinical testing. Allele origin: germline.
Comment: In summary, the available evidence is currently insufficient to determine the role of this variant in disease. Therefore, it has been classified as a Variant of Uncertain Significance. Algorithms developed to predict the effect of missense changes on protein structure and function (SIFT, PolyPhen-2, Align-GVGD) all suggest that this variant is likely to be tolerated. This variant has not been reported in the literature in individuals affected with PDE6C-related conditions. This variant is present in population databases (rs775916109, gnomAD 0.01%). This sequence change replaces aspartic acid, which is acidic and polar, with alanine, which is neutral and non-polar, at codon 131 of the PDE6C protein (p.Asp131Ala).